The following is an entry in ClinVar:

ClinVar aggregate classification (germline): Uncertain significance (1 of 4 stars; one submission).

Allele frequency attached by ClinVar (database versions not stated): ExAC 0.00004; gnomAD exomes 0.00006 and 0.00009; TOPMed 0.00020; gnomAD 0.00030 and 0.00031.
gnomAD v4.1: 132 of 1,613,940 alleles (0.0082%); highest among the groups gnomAD compares: Admixed American, 0.082%; no homozygotes.

Submission:

Labcorp Genetics (formerly Invitae), Labcorp
Classification: Uncertain significance. Last evaluated: 2024-11-05. Review status: criteria provided, single submitter. Criteria: Invitae Variant Classification Sherloc (09022015). Collection method: clinical testing. Allele origin: germline.
Comment: This sequence change falls in intron 8 of the DNAJC17 gene. It does not directly change the encoded amino acid sequence of the DNAJC17 protein. It affects a nucleotide within the consensus splice site. This variant is present in population databases (rs749048255, gnomAD 0.04%). This variant has not been reported in the literature in individuals affected with DNAJC17-related conditions. ClinVar contains an entry for this variant (Variation ID: 1448459). Variants that disrupt the consensus splice site are a relatively common cause of aberrant splicing (PMID: 17576681, 9536098). Algorithms developed to predict the effect of sequence changes on RNA splicing suggest that this variant is not likely to affect RNA splicing. In summary, the available evidence is currently insufficient to determine the role of this variant in disease. Therefore, it has been classified as a Variant of Uncertain Significance.

Literature cited by the submitters: PubMed 17576681; PubMed 9536098.

NM_018163.3(DNAJC17):c.600+4G>A

Gene: DNAJC17 (DnaJ heat shock protein family (Hsp40) member C17; minus strand). Cytogenetic location: 15q15.1.
Variant type: single nucleotide variant.
Coding change: c.600+4G>A on transcript NM_018163.3 (MANE Select); 4 bases into the intron after coding-DNA position 600, G replaced by A.
Molecular consequence: intron variant.
Genome position (GRCh38, 1-based): chr15:40,775,027, C>T on the plus strand (G>A on the coding strand, the complement: DNAJC17 is on the minus strand). VCF-style: chr15-40775027-C-T. GRCh37 (hg19) VCF-style: chr15-41067225-C-T.
Identifiers: ClinVar variation 1448459 (VCV001448459.6), dbSNP rs749048255, ClinGen allele CA7485083.